The following continues an entry in ClinVar:

NM_000051.4(ATM):c.7552C>T (p.Pro2518Ser)

ClinVar aggregate classification (germline): Conflicting classifications of pathogenicity. Uncertain significance (16); Likely benign (1).

Submissions 12 to 19 of 19:

Baylor Genetics
Classification: Uncertain significance for Familial cancer of breast. Last evaluated: 2024-03-21. Review status: criteria provided, single submitter. Criteria: ACMG Guidelines, 2015. Collection method: clinical testing. Allele origin: unknown.

Ambry Genetics
Classification: Uncertain significance for Hereditary cancer-predisposing syndrome. Last evaluated: 2024-03-12. Review status: criteria provided, single submitter. Criteria: Ambry Variant Classification Scheme 2023. Collection method: clinical testing. Allele origin: germline.
Comment: The p.P2518S variant (also known as c.7552C>T), located in coding exon 50 of the ATM gene, results from a C to T substitution at nucleotide position 7552. The proline at codon 2518 is replaced by serine, an amino acid with similar properties. This variant was observed in an individual with early onset-breast cancer amongst a cohort of 1781 non-Ashkenazi Jewish individuals undergoing BRCA1/2 gene testing based on a personal history of breast cancer (Tung N et al. Cancer, 2015 Jan;121:25-33). In a study of 196 women with breast cancer and 185 unaffected controls from Cameroon and Uganda, this variant was identified once (Adedokun B et al. Cancer Epidemiol Biomarkers Prev, 2020 02;29:359-367). Additionally, this variant was identified in a cohort of 3,579 African males diagnosed with prostate cancer who underwent multi-gene panel testing of 19 DNA repair and cancer predisposition genes (Matejcic M et al. JCO Precis Oncol, 2020 Jan;4:32-43). This amino acid position is highly conserved in available vertebrate species. In addition, this alteration is predicted to be deleterious by in silico analysis. Based on the available evidence, the clinical significance of this alteration remains unclear.

Mayo Clinic Laboratories, Mayo Clinic
Classification: Uncertain significance. Last evaluated: 2023-06-21. Review status: criteria provided, single submitter. Criteria: ACMG Guidelines, 2015. Collection method: clinical testing. Allele origin: germline. Observed: 2 variant alleles.
Comment: PP3

Department of Pathology and Laboratory Medicine, Sinai Health System
Classification: Uncertain significance for Familial cancer of breast. Last evaluated: 2022-08-29. Review status: criteria provided, single submitter. Criteria: ACMG Guidelines, 2015. Collection method: clinical testing. Allele origin: germline. Affected: yes.

Sema4
Classification: Uncertain significance for Hereditary cancer-predisposing syndrome. Last evaluated: 2021-11-27. Review status: criteria provided, single submitter. Criteria: Sema4 Curation Guidelines. Collection method: curation. Allele origin: germline.
Comment: The ATM c.7552C>T (p.P2518S) variant has been reported in heterozygosity in at least one individual with colorectal cancer and at least one individual with breast cancer (PMID: 31871109, 28135145). It was observed in 9/24892 chromosomes of the African/African American subpopulation in the large and broad cohorts of the Genome Aggregation Database (PMID: 32461654). This variant has been reported in ClinVar (Variation ID: 181983). In silico tools suggest the impact of the variant on protein function is deleterious, though these predictions have not been confirmed by functional studies. The evidence is insufficient to meet ACMG/AMP criteria for classifying the variant as benign or pathogenic. Thus, the clinical significance of this variant is currently uncertain.

New York Genome Center
Classification: Uncertain significance for Ataxia-telangiectasia syndrome. Last evaluated: 2021-05-07. Review status: criteria provided, single submitter. Criteria: NYGC Assertion Criteria 2020. Collection method: clinical testing. Allele origin: inherited. Observed: 1 heterozygote. Study: CSER-NYCKidSeq.

Natera, Inc.
Classification: Uncertain significance for Ataxia-telangiectasia. Last evaluated: 2020-09-16. Review status: no assertion criteria provided. Collection method: clinical testing. Allele origin: germline. Not counted in ClinVar's aggregate classification.

Counsyl
Classification: Uncertain significance for Ataxia-telangiectasia syndrome. Last evaluated: 2018-05-07. Review status: no assertion criteria provided. Collection method: clinical testing. Allele origin: unknown. Not counted in ClinVar's aggregate classification.

Literature cited by the submitters: PubMed 25186627 (cited by 8 submitters); PubMed 28135145 (cited by 9 submitters); PubMed 32832836 (cited by 6 submitters); PubMed 31871109 (cited by 7 submitters); PubMed 34326862 (cited by 6 submitters); PubMed 25085752 (cited by Myriad Genetics, Inc.); PubMed 35980532 (cited by 4 submitters).